The following is an entry in ClinVar:

ClinVar aggregate classification (germline): Uncertain significance (1 of 4 stars; one submission).

gnomAD v4.1: 1 of 1,613,958 alleles (0.000062%); highest among the groups gnomAD compares: Non-Finnish European, 0.000085%; no homozygotes.

Submission:

GeneDx
Classification: Uncertain significance. Last evaluated: 2023-11-06. Review status: criteria provided, single submitter. Criteria: GeneDx Variant Classification Process June 2021. Collection method: clinical testing. Allele origin: germline. Affected: yes.
Comment: Not observed at significant frequency in large population cohorts (gnomAD); In silico analysis supports that this missense variant has a deleterious effect on protein structure/function; Has not been previously published as pathogenic or benign to our knowledge

NM_001278064.2(GRM1):c.2570G>A (p.Arg857His)

Gene: GRM1 (glutamate metabotropic receptor 1; plus strand). Cytogenetic location: 6q24.3.
Variant type: single nucleotide variant.
Coding change: c.2570G>A on transcript NM_001278064.2 (MANE Select); coding-DNA position 2570, G replaced by A.
Protein change: p.Arg857His; replaces arginine 857 with histidine.
Molecular consequence: missense variant.
Genome position (GRCh38, 1-based): chr6:146,399,609, G>A. VCF-style: chr6-146399609-G-A. GRCh37 (hg19) VCF-style: chr6-146720745-G-A.
Other names: c.2570G>A, p.Arg857His (NM_001278065.2, NM_001278066.1, NM_001278067.1); short protein forms R857H.
Identifiers: ClinVar variation 3363849 (VCV003363849.1).